The following is an entry in ClinVar:

NM_000937.5(POLR2A):c.5013_5014insAAGCCCACCTCTCCCAGCTAC (p.Tyr1671_Ser1672insLysProThrSerProSerTyr)

Gene: POLR2A (RNA polymerase II subunit A; plus strand). Cytogenetic location: 17p13.1.
Variant type: Insertion.
Coding change: c.5013_5014insAAGCCCACCTCTCCCAGCTAC on transcript NM_000937.5 (MANE Select); coding-DNA positions 5013 to 5014, AAGCCCACCTCTCCCAGCTAC inserted.
Protein change: p.Tyr1671_Ser1672insLysProThrSerProSerTyr.
Molecular consequence: inframe insertion.
Genome position: GRCh38 VCF-style: chr17-7513258-C-CGCCCACCTCTCCCAGCTACAA. GRCh37 (hg19) VCF-style: chr17-7416577-C-CGCCCACCTCTCCCAGCTACAA.
Identifiers: ClinVar variation 2647360 (VCV002647360.24), dbSNP rs2508199677, ClinGen allele CA2695201242.

ClinVar aggregate classification (germline): Uncertain significance (1 of 4 stars; one submission).

Submission:

CeGaT Center for Human Genetics Tuebingen
Classification: Uncertain significance. Last evaluated: 2023-08-01. Review status: criteria provided, single submitter. Criteria: CeGaT Center For Human Genetics Tuebingen Variant Classification Criteria Version 2. Collection method: clinical testing. Allele origin: germline. Affected: yes. Observed: 1 variant allele.
Comment: POLR2A: PM2